The following is an entry in ClinVar:

NM_207361.6(FREM2):c.7216-5C>T

Gene: FREM2 (FRAS1 related extracellular matrix 2; plus strand). Cytogenetic location: 13q13.3.
Variant type: single nucleotide variant.
Coding change: c.7216-5C>T on transcript NM_207361.6 (MANE Select); 5 bases into the intron before coding-DNA position 7216, C replaced by T.
Molecular consequence: intron variant.
Genome position (GRCh38, 1-based): chr13:38,859,282, C>T. VCF-style: chr13-38859282-C-T. GRCh37 (hg19) VCF-style: chr13-39433419-C-T.
Identifiers: ClinVar variation 312015 (VCV000312015.9), dbSNP rs534318261, ClinGen allele CA6955807.

ClinVar aggregate classification (germline): Conflicting classifications of pathogenicity. Review status: criteria provided, conflicting classifications (1 of 4 stars). 3 submissions from 3 submitters: Uncertain significance (1); Likely benign (2). Last evaluated 2024-06-28.

Conditions:
Fraser syndrome 2 (FRASRS2). Identifiers: MedGen C4540036, MONDO:0054738, OMIM 617666.

Allele frequency attached by ClinVar (database versions not stated): gnomAD exomes 0.00003 and 0.00010; ExAC 0.00005; gnomAD 0.00009; 1000 Genomes Project 30x 0.00016; 1000 Genomes Project 0.00020; TOPMed 0.00020.
gnomAD v4.1: 69 of 1,613,868 alleles (0.0043%); highest among the groups gnomAD compares: Admixed American, 0.042%; no homozygotes.

Submissions (3):

Labcorp Genetics (formerly Invitae), Labcorp
Classification: Likely benign. Last evaluated: 2024-06-28. Review status: criteria provided, single submitter. Criteria: Invitae Variant Classification Sherloc (09022015). Collection method: clinical testing. Allele origin: germline.

GeneDx
Classification: Likely benign. Last evaluated: 2018-04-03. Review status: criteria provided, single submitter. Criteria: GeneDx Variant Classification (06012015). Collection method: clinical testing. Allele origin: germline. Affected: yes.
Comment: This variant is considered likely benign or benign based on one or more of the following criteria: it is a conservative change, it occurs at a poorly conserved position in the protein, it is predicted to be benign by multiple in silico algorithms, and/or has population frequency not consistent with disease.

Illumina Laboratory Services, Illumina
Classification: Uncertain significance for Fraser syndrome 2. Last evaluated: 2018-01-12. Review status: criteria provided, single submitter. Criteria: ICSL Variant Classification Criteria 13 December 2019. Collection method: clinical testing. Allele origin: germline.